The following is an entry in ClinVar:

NM_022051.3(EGLN1):c.635A>G (p.Asp212Gly)

Gene: EGLN1 (egl-9 family hypoxia inducible factor 1; minus strand). Cytogenetic location: 1q42.2.
Variant type: single nucleotide variant.
Coding change: c.635A>G on transcript NM_022051.3 (MANE Select); coding-DNA position 635, A replaced by G.
Protein change: p.Asp212Gly; replaces aspartic acid 212 with glycine.
Molecular consequence: missense variant.
Genome position (GRCh38, 1-based): chr1:231,421,254, T>C on the plus strand (A>G on the coding strand, the complement: EGLN1 is on the minus strand). VCF-style: chr1-231421254-T-C. GRCh37 (hg19) VCF-style: chr1-231557000-T-C.
Other names: c.635A>G, p.Asp212Gly (NM_001377260.1, NM_001377261.1); short protein forms D212G.
Identifiers: ClinVar variation 4729212 (VCV004729212.1).

ClinVar aggregate classification (germline): Uncertain significance (1 of 4 stars; one submission).

Conditions:
Erythrocytosis, familial, 3 (ECYT3). Identifiers: Orphanet 247511, MedGen C1853286, MONDO:0012353, OMIM 609820.

Submission:

Labcorp Genetics (formerly Invitae), Labcorp
Classification: Uncertain significance for Erythrocytosis, familial, 3. Last evaluated: 2025-10-14. Review status: criteria provided, single submitter. Criteria: Invitae Variant Classification Sherloc (09022015). Collection method: clinical testing. Allele origin: germline.
Comment: This sequence change replaces aspartic acid, which is acidic and polar, with glycine, which is neutral and non-polar, at codon 212 of the EGLN1 protein (p.Asp212Gly). This variant is not present in population databases (gnomAD no frequency). This variant has not been reported in the literature in individuals affected with EGLN1-related conditions. An algorithm developed to predict the effect of missense changes on protein structure and function (PolyPhen-2) suggests that this variant is likely to be tolerated. In summary, the available evidence is currently insufficient to determine the role of this variant in disease. Therefore, it has been classified as a Variant of Uncertain Significance.